The following is an entry in ClinVar:

ClinVar aggregate classification (germline): Likely pathogenic (1 of 4 stars; one submission).

Conditions:
Platelet-type bleeding disorder 15 (BDPLT15). Also called: MACROTHROMBOCYTOPENIA, AUTOSOMAL DOMINANT, ACTN1-RELATED. Identifiers: Orphanet 140957, MedGen C3554663, MONDO:0014078, OMIM 615193.

Allele frequency attached by ClinVar (database versions not stated): gnomAD exomes below 0.00001; TOPMed below 0.00001.
gnomAD v4.1: 3 of 1,614,170 alleles (0.00019%); highest among the groups gnomAD compares: African/African-American, 0.0013%; no homozygotes.

Submission:

ISTH-SSC Genomics in Thrombosis and Hemostasis, KU Leuven, Center for Molecular and Vascular Biology
Classification: Likely pathogenic for Platelet-type bleeding disorder 15. Review status: criteria provided, single submitter. Criteria: ACMG Guidelines, 2015. Collection method: clinical testing. Allele origin: germline. Affected: yes. Observed: 2 heterozygotes. Clinical features observed: Macrothrombocytopenia.
Comment: Submitted to GoldVariant by Jose María Bastida and José Rivera; Grupo Español de Alteraciones Plaquetarias Congénitas (GEAPC)

NM_001130004.2(ACTN1):c.2551G>A (p.Val851Ile)

Gene: ACTN1 (actinin alpha 1; minus strand). Cytogenetic location: 14q24.1.
Variant type: single nucleotide variant.
Coding change: c.2551G>A on transcript NM_001130004.2 (MANE Select); coding-DNA position 2551, G replaced by A.
Protein change: p.Val851Ile; replaces valine 851 with isoleucine.
Molecular consequence: missense variant.
Genome position (GRCh38, 1-based): chr14:68,877,117, C>T on the plus strand (G>A on the coding strand, the complement: ACTN1 is on the minus strand). VCF-style: chr14-68877117-C-T. GRCh37 (hg19) VCF-style: chr14-69343834-C-T.
Other names: c.2485G>A, p.Val829Ile (NM_001102.4); c.2470G>A, p.Val824Ile (NM_001130005.2); short protein forms V824I, V829I, V851I.
Identifiers: ClinVar variation 1704200 (VCV001704200.2), dbSNP rs1229450407, ClinGen allele CA390180370.